The following is an entry in ClinVar:

ClinVar aggregate classification (germline): Benign. Review status: criteria provided, multiple submitters, no conflicts (2 of 4 stars). 16 submissions from 16 submitters: Benign (9). 7 of the submissions do not count toward it. Last evaluated 2026-02-04.

Conditions:
Inborn genetic diseases. Identifiers: MedGen C0950123, MeSH D030342.
Neuronal ceroid lipofuscinosis. Also called: Neuronal Ceroid Lipofuscinoses. Identifiers: Orphanet 216, Orphanet 79263, MedGen C0027877, MONDO:0016295. Disease mechanism: loss of function.
Neuronal ceroid lipofuscinosis 5 (CLN5). Also called: CEROID LIPOFUSCINOSIS, NEURONAL, 5, VARIABLE AGE AT ONSET; Neuronal ceroid lipofuscinosis Finnish variant; NEURONAL CEROID LIPOFUSCINOSIS, LATE INFANTILE, FINNISH VARIANT; CLN5-Related Neuronal Ceroid-Lipofuscinosis. Identifiers: Orphanet 168491, Orphanet 228360, MedGen C1850442, MONDO:0009745, OMIM 256731.

Allele frequency attached by ClinVar (database versions not stated): ESP Exome Variant Server 0.10482; gnomAD 0.12832 and 0.12859; TOPMed 0.13596; 1000 Genomes Project 0.13938; 1000 Genomes Project 30x 0.14335; gnomAD exomes 0.14535; ExAC 0.25225.

Submissions (16):

Labcorp Genetics (formerly Invitae), Labcorp
Classification: Benign for Neuronal ceroid lipofuscinosis. Last evaluated: 2026-02-04. Review status: criteria provided, single submitter. Criteria: Invitae Variant Classification Sherloc (09022015). Collection method: clinical testing. Allele origin: germline.

Unidad de Genómica Garrahan, Hospital de Pediatría Garrahan
Classification: Benign. Last evaluated: 2024-07-15. Review status: criteria provided, single submitter. Criteria: ACMG Guidelines, 2015. Collection method: clinical testing. Allele origin: germline. Affected: no. Observed: 37 variant alleles.
Comment: This variant is classified as Benign based on local population frequency. This variant was detected in 40% of patients studied in a panel designed for Epileptic and Developmental Encephalopathy and Progressive Myoclonus Epilepsy. Number of patients: 37. Only high quality variants are reported.

Genome-Nilou Lab
Classification: Benign for Neuronal ceroid lipofuscinosis 5. Last evaluated: 2021-07-10. Review status: criteria provided, single submitter. Criteria: ACMG Guidelines, 2015. Collection method: clinical testing. Allele origin: germline. Affected: no.

Illumina Laboratory Services, Illumina
Classification: Benign for Neuronal ceroid lipofuscinosis 5. Last evaluated: 2018-01-12. Review status: criteria provided, single submitter. Criteria: ICSL Variant Classification Criteria 13 December 2019. Collection method: clinical testing. Allele origin: germline.
Comment: This variant was observed in the ICSL laboratory as part of a predisposition screen in an ostensibly healthy population. It had not been previously curated by ICSL or reported in the Human Gene Mutation Database (HGMD: prior to June 1st, 2018), and was therefore a candidate for classification through an automated scoring system. Utilizing variant allele frequency, disease prevalence and penetrance estimates, and inheritance mode, an automated score was calculated to assess if this variant is too frequent to cause the disease. Based on the score and internal cut-off values, a variant classified as benign is not then subjected to further curation. The score for this variant resulted in a classification of benign for this disease.

Eurofins Ntd Llc (ga)
Classification: Benign. Last evaluated: 2016-01-13. Review status: criteria provided, single submitter. Criteria: EGL Classification Definitions 2015. Collection method: clinical testing. Allele origin: germline. Observed: 7 variant alleles, 7 heterozygotes.

Ambry Genetics
Classification: Benign for Inborn genetic diseases. Last evaluated: 2016-01-08. Review status: criteria provided, single submitter. Criteria: Ambry Variant Classification Scheme 2023. Collection method: clinical testing. Allele origin: germline.

GeneDx
Classification: Benign. Last evaluated: 2015-03-03. Review status: criteria provided, single submitter. Criteria: GeneDx Variant Classification Process June 2021. Collection method: clinical testing. Allele origin: germline. Affected: yes.
Comment: This variant is associated with the following publications: (PMID: 30919163)

Breakthrough Genomics
Classification: Benign. Review status: criteria provided, single submitter. Criteria: ACMG Guidelines, 2015. Collection method: not provided. Allele origin: germline. Inheritance: Autosomal recessive inheritance. Affected: yes.

PreventionGenetics, part of Exact Sciences
Classification: Benign. Review status: criteria provided, single submitter. Criteria: ACMG Guidelines, 2015. Collection method: clinical testing. Allele origin: germline.

Natera, Inc.
Classification: Benign for Neuronal ceroid lipofuscinosis. Last evaluated: 2020-09-16. Review status: no assertion criteria provided. Collection method: clinical testing. Allele origin: germline. Not counted in ClinVar's aggregate classification.

Mayo Clinic Laboratories, Mayo Clinic
Classification: Benign. Last evaluated: 2015-12-15. Review status: no assertion criteria provided. Collection method: clinical testing. Allele origin: unknown. Not counted in ClinVar's aggregate classification.

Clinical Genetics DNA and cytogenetics Diagnostics Lab, Erasmus MC, Erasmus Medical Center
Classification: Benign. Review status: no assertion criteria provided. Collection method: clinical testing. Allele origin: germline. Affected: yes. Study: VKGL Data-share Consensus. Not counted in ClinVar's aggregate classification.

Genetic Services Laboratory, University of Chicago
Classification: Likely benign for AllHighlyPenetrant. Review status: no assertion criteria provided. Collection method: clinical testing. Allele origin: germline. Inheritance: Autosomal recessive inheritance. Not counted in ClinVar's aggregate classification.
Comment: Likely benign based on allele frequency in 1000 Genomes Project or ESP global frequency and its presence in a patient with a rare or unrelated disease phenotype. NOT Sanger confirmed.

Genome Diagnostics Laboratory, Amsterdam University Medical Center
Classification: Benign. Review status: no assertion criteria provided. Collection method: clinical testing. Allele origin: germline. Affected: yes. Study: VKGL Data-share Consensus. Not counted in ClinVar's aggregate classification.

Genome Diagnostics Laboratory, University Medical Center Utrecht
Classification: Benign. Review status: no assertion criteria provided. Collection method: clinical testing. Allele origin: germline. Affected: yes. Study: VKGL Data-share Consensus. Not counted in ClinVar's aggregate classification.

Joint Genome Diagnostic Labs from Nijmegen and Maastricht, Radboudumc and MUMC+
Classification: Benign. Review status: no assertion criteria provided. Collection method: clinical testing. Allele origin: germline. Affected: yes. Study: VKGL Data-share Consensus. Not counted in ClinVar's aggregate classification.

NM_006493.4(CLN5):c.-144C>T

Gene: CLN5 (CLN5 lysosomal BMP synthase; plus strand). Cytogenetic location: 13q22.3.
Variant type: single nucleotide variant.
Coding change: c.-144C>T on transcript NM_006493.4 (MANE Select); 144 bases upstream of the start codon, C replaced by T.
Genome position (GRCh38, 1-based): chr13:76,991,955, C>T. VCF-style: chr13-76991955-C-T. GRCh37 (hg19) VCF-style: chr13-77566090-C-T.
Identifiers: ClinVar variation 128782 (VCV000128782.40), dbSNP rs77416795, ClinGen allele CA152430.